The following is an entry in ClinVar:

ClinVar aggregate classification (germline): Uncertain significance. Review status: criteria provided, multiple submitters, no conflicts (2 of 4 stars). 2 submissions from 2 submitters: Uncertain significance (2). Last evaluated 2022-03-07.

Submissions (2):

Women's Health and Genetics/Laboratory Corporation of America, LabCorp
Classification: Uncertain significance. Last evaluated: 2022-03-07. Review status: criteria provided, single submitter. Criteria: LabCorp Variant Classification Summary - May 2015. Collection method: clinical testing. Allele origin: germline.
Comment: Variant summary: FBN1 c.608T>C (p.Val203Ala) results in a non-conservative amino acid change located in the TB domain (IPR017878) of the encoded protein sequence. Five of five in-silico tools predict a damaging effect of the variant on protein function. The variant was absent in 251424 control chromosomes. The available data on variant occurrences in the general population are insufficient to allow any conclusion about variant significance. To our knowledge, no occurrence of c.608T>C in individuals affected with Marfan Syndrome and no experimental evidence demonstrating its impact on protein function have been reported. No clinical diagnostic laboratories have submitted clinical-significance assessments for this variant to ClinVar after 2014. Based on the evidence outlined above, the variant was classified as uncertain significance.

Breakthrough Genomics
Classification: Uncertain significance. Review status: criteria provided, single submitter. Criteria: ACMG Guidelines, 2015. Collection method: not provided. Allele origin: germline. Inheritance: Autosomal dominant inheritance. Affected: yes.

NM_000138.5(FBN1):c.608T>C (p.Val203Ala)

Gene: FBN1 (fibrillin 1; minus strand). Cytogenetic location: 15q21.1.
Variant type: single nucleotide variant.
Coding change: c.608T>C on transcript NM_000138.5 (MANE Select); coding-DNA position 608, T replaced by C.
Protein change: p.Val203Ala; replaces valine 203 with alanine.
Molecular consequence: missense variant.
Genome position (GRCh38, 1-based): chr15:48,537,739, A>G on the plus strand (T>C on the coding strand, the complement: FBN1 is on the minus strand). VCF-style: chr15-48537739-A-G. GRCh37 (hg19) VCF-style: chr15-48829936-A-G.
Other names: short protein forms V203A.
Identifiers: ClinVar variation 1677025 (VCV001677025.2), dbSNP rs2141358343, ClinGen allele CA392446049.